The following is an entry in ClinVar:

ClinVar aggregate classification (germline): Uncertain significance (1 of 4 stars; one submission).

Conditions:
KBG syndrome (KBGS). Also called: ANKRD11-Related KBG Syndrome. Identifiers: Orphanet 2332, MedGen C0220687, MONDO:0007846, OMIM 148050.

gnomAD v4.1: 2 of 1,614,046 alleles (0.00012%); highest among the groups gnomAD compares: Admixed American, 0.0017%; no homozygotes.

Submission:

Labcorp Genetics (formerly Invitae), Labcorp
Classification: Uncertain significance for KBG syndrome. Last evaluated: 2025-01-12. Review status: criteria provided, single submitter. Criteria: Invitae Variant Classification Sherloc (09022015). Collection method: clinical testing. Allele origin: germline.
Comment: This sequence change replaces glutamic acid, which is acidic and polar, with lysine, which is basic and polar, at codon 346 of the ANKRD11 protein (p.Glu346Lys). This variant is not present in population databases (gnomAD no frequency). This variant has not been reported in the literature in individuals affected with ANKRD11-related conditions. Invitae Evidence Modeling of protein sequence and biophysical properties (such as structural, functional, and spatial information, amino acid conservation, physicochemical variation, residue mobility, and thermodynamic stability) indicates that this missense variant is not expected to disrupt ANKRD11 protein function with a negative predictive value of 95%. In summary, the available evidence is currently insufficient to determine the role of this variant in disease. Therefore, it has been classified as a Variant of Uncertain Significance.

NM_013275.6(ANKRD11):c.1036G>A (p.Glu346Lys)

Gene: ANKRD11 (ankyrin repeat domain 11; minus strand). Cytogenetic location: 16q24.3.
Variant type: single nucleotide variant.
Coding change: c.1036G>A on transcript NM_013275.6 (MANE Select); coding-DNA position 1036, G replaced by A.
Protein change: p.Glu346Lys; replaces glutamic acid 346 with lysine.
Molecular consequence: missense variant.
Genome position (GRCh38, 1-based): chr16:89,285,506, C>T on the plus strand (G>A on the coding strand, the complement: ANKRD11 is on the minus strand). VCF-style: chr16-89285506-C-T. GRCh37 (hg19) VCF-style: chr16-89351914-C-T.
Other names: c.1036G>A, p.Glu346Lys (NM_001256182.2, NM_001256183.2); short protein forms E346K.
Identifiers: ClinVar variation 3637151 (VCV003637151.2).